The following is an entry in ClinVar:

ClinVar aggregate classification (germline): Uncertain significance (1 of 4 stars; one submission).

Submission:

Labcorp Genetics (formerly Invitae), Labcorp
Classification: Uncertain significance. Last evaluated: 2022-06-15. Review status: criteria provided, single submitter. Criteria: Invitae Variant Classification Sherloc (09022015). Collection method: clinical testing. Allele origin: germline.
Comment: This sequence change replaces glycine, which is neutral and non-polar, with alanine, which is neutral and non-polar, at codon 967 of the PDZD7 protein (p.Gly967Ala). Algorithms developed to predict the effect of missense changes on protein structure and function are either unavailable or do not agree on the potential impact of this missense change (SIFT: "Deleterious"; PolyPhen-2: "Not Available"; Align-GVGD: "Class C0"). This variant has not been reported in the literature in individuals affected with PDZD7-related conditions. This variant is not present in population databases (gnomAD no frequency). In summary, the available evidence is currently insufficient to determine the role of this variant in disease. Therefore, it has been classified as a Variant of Uncertain Significance.

NM_001195263.2(PDZD7):c.2900G>C (p.Gly967Ala)

Gene: PDZD7 (PDZ domain containing 7; minus strand). Cytogenetic location: 10q24.31.
Variant type: single nucleotide variant.
Coding change: c.2900G>C on transcript NM_001195263.2 (MANE Select); coding-DNA position 2900, G replaced by C.
Protein change: p.Gly967Ala; replaces glycine 967 with alanine.
Molecular consequence: missense variant.
Genome position (GRCh38, 1-based): chr10:101,008,669, C>G on the plus strand (G>C on the coding strand, the complement: PDZD7 is on the minus strand). VCF-style: chr10-101008669-C-G. GRCh37 (hg19) VCF-style: chr10-102768426-C-G.
Other names: short protein forms G967A.
Identifiers: ClinVar variation 1933600 (VCV001933600.5), dbSNP rs1852293774, ClinGen allele CA378223118.